The following is an entry in ClinVar:

ClinVar aggregate classification (germline): Likely benign. Review status: criteria provided, multiple submitters, no conflicts (2 of 4 stars). 5 submissions from 5 submitters: Likely benign (4). 1 of the submissions does not count toward it. Last evaluated 2026-07-30.

Conditions:
GRN-related disorder. Also called: GRN-related condition; GRN-related disorders.
GRN-related frontotemporal lobar degeneration with Tdp43 inclusions (FTD2). Also called: DEMENTIA, HEREDITARY DYSPHASIC DISINHIBITION; FRONTOTEMPORAL LOBAR DEGENERATION WITH UBIQUITIN-POSITIVE INCLUSIONS; FTLD-TDP, GRN-RELATED; FRONTOTEMPORAL DEMENTIA WITH TDP43 INCLUSIONS, GRN-RELATED; GRN Frontotemporal Dementia. Identifiers: Orphanet 100070, Orphanet 282, MedGen C1843792, MONDO:0011842, OMIM 607485. Disease mechanism: loss of function.
Neuronal ceroid lipofuscinosis 11. Also called: GRN-Related Neuronal Ceroid-Lipofuscinosis. Identifiers: Orphanet 314629, Orphanet 79262, MedGen C3539123, MONDO:0013866, OMIM 614706.

Allele frequency attached by ClinVar (database versions not stated): gnomAD 0.00003 and 0.00011; ESP Exome Variant Server 0.00008; gnomAD exomes 0.00008 and 0.00012; TOPMed 0.00011; ExAC 0.00016; 1000 Genomes Project 0.00060; 1000 Genomes Project 30x 0.00062.
gnomAD v4.1: 139 of 1,614,030 alleles (0.0086%); highest among the groups gnomAD compares: East Asian, 0.087%; no homozygotes.

Submissions (5):

PreventionGenetics, part of Exact Sciences
Classification: Likely benign for GRN-related condition. Last evaluated: 2026-07-30. Review status: criteria provided, single submitter. Criteria: ACMG Guidelines, 2015. Collection method: clinical testing. Allele origin: germline.
Comment: This variant is classified as likely benign based on ACMG/AMP sequence variant interpretation guidelines (Richards et al. 2015 PMID: 25741868, with internal and published modifications).

Labcorp Genetics (formerly Invitae), Labcorp
Classification: Likely benign for Neuronal ceroid lipofuscinosis 11; GRN-related frontotemporal lobar degeneration with Tdp43 inclusions. Last evaluated: 2025-09-10. Review status: criteria provided, single submitter. Criteria: Invitae Variant Classification Sherloc (09022015). Collection method: clinical testing. Allele origin: germline.

Blueprint Genetics
Classification: Likely benign. Last evaluated: 2024-06-26. Review status: criteria provided, single submitter. Criteria: ACMG Guidelines, 2015. Collection method: clinical testing. Allele origin: germline.

Fulgent Genetics
Classification: Likely benign for GRN-related frontotemporal lobar degeneration with Tdp43 inclusions; Neuronal ceroid lipofuscinosis 11. Last evaluated: 2021-07-29. Review status: criteria provided, single submitter. Criteria: ACMG Guidelines, 2015. Collection method: clinical testing. Allele origin: unknown.

VIB  Department of Molecular Genetics, University of Antwerp
No classification provided. Review status: no classification provided. Collection method: not provided. Allele origin: unknown. Not counted in ClinVar's aggregate classification.

NM_002087.4(GRN):c.1485C>T (p.Cys495=)

Gene: GRN (granulin precursor; plus strand). Cytogenetic location: 17q21.31.
Variant type: single nucleotide variant.
Coding change: c.1485C>T on transcript NM_002087.4 (MANE Select); coding-DNA position 1485, C replaced by T.
Protein change: p.Cys495=; no amino-acid change (cysteine 495 retained).
Molecular consequence: synonymous variant.
Genome position (GRCh38, 1-based): chr17:44,352,412, C>T. VCF-style: chr17-44352412-C-T. GRCh37 (hg19) VCF-style: chr17-42429780-C-T.
Other names: c.1485C>T (NM_002087.3).
Identifiers: ClinVar variation 98188 (VCV000098188.13), dbSNP rs63750576, ClinGen allele CA225361.